The following is an entry in ClinVar:

NM_001048174.2(MUTYH):c.181G>T (p.Asp61Tyr)

Gene: MUTYH (mutY DNA glycosylase; minus strand). Cytogenetic location: 1p34.1.
Variant type: single nucleotide variant.
Coding change: c.181G>T on transcript NM_001048174.2 (MANE Select); coding-DNA position 181, G replaced by T.
Protein change: p.Asp61Tyr; replaces aspartic acid 61 with tyrosine.
Molecular consequence: missense variant. On other transcripts: 5 prime UTR variant (6), non-coding transcript variant (7).
Genome position (GRCh38, 1-based): chr1:45,333,496, C>A on the plus strand (G>T on the coding strand, the complement: MUTYH is on the minus strand). VCF-style: chr1-45333496-C-A. GRCh37 (hg19) VCF-style: chr1-45799168-C-A.
Other names: c.181G>T, p.Asp61Tyr (NM_001048171.2, NM_001048173.2, NM_001293195.2 and 6 more transcripts); c.184G>T, p.Asp62Tyr (NM_001048172.2, NM_001407071.1, NM_001407078.1 and 2 more transcripts); c.265G>T, p.Asp89Tyr (NM_001128425.2); c.226G>T, p.Asp76Tyr (NM_001293190.2); c.214G>T, p.Asp72Tyr (NM_001293191.2, NM_001407077.1); c.-96G>T (NM_001293192.2, NM_001293196.2, NM_001407091.1); c.-91G>T (NM_001350650.2, NM_001350651.2, NM_001407082.1); c.256G>T, p.Asp86Tyr (NM_001407069.1, NM_012222.3); and 3 more; short protein forms D86Y, D62Y, D76Y, D89Y, D33Y, D61Y, D68Y, D72Y.
Identifiers: ClinVar variation 4112860 (VCV004112860.1).
Genomic context (GRCh38, chr1:45,333,496, plus strand): 5'-GTTTCTCTTGGTCGTACCAGCTTAGCAGGCTCCCTCGGAAGGCTGTGACTTCAGCTACGT[C>A]TCTGAATAGATGGTATGAGGAGACAGAGGCCTGCAATACCACCTCTTCCGGCTGCCTGGC-3'
Protein context (NP_001041639.1, residues 51-71): ASVSSYHLFR[Asp61Tyr]VAEVTAFRGS

ClinVar aggregate classification (germline): Uncertain significance (1 of 4 stars; one submission).

Conditions:
Hereditary cancer-predisposing syndrome. Also called: Tumor predisposition; Neoplastic Syndromes, Hereditary; Hereditary neoplastic syndrome; Hereditary Cancer Syndrome. Identifiers: Orphanet 140162, MedGen C0027672, MeSH D009386, MONDO:0015356.

Submission:

Ambry Genetics
Classification: Uncertain significance for Hereditary cancer-predisposing syndrome. Last evaluated: 2025-08-27. Review status: criteria provided, single submitter. Criteria: Ambry Variant Classification Scheme 2023. Collection method: clinical testing. Allele origin: germline.
Comment: The p.D89Y variant (also known as c.265G>T), located in coding exon 3 of the MUTYH gene, results from a G to T substitution at nucleotide position 265. The aspartic acid at codon 89 is replaced by tyrosine, an amino acid with highly dissimilar properties. This amino acid position is conserved. In addition, this alteration is predicted to be deleterious by in silico analysis. Based on the available evidence, the clinical significance of this variant remains unclear.